The following is an entry in ClinVar:

NM_015046.7(SETX):c.3281A>G (p.Gln1094Arg)

Gene: SETX (senataxin; minus strand). Cytogenetic location: 9q34.13.
Variant type: single nucleotide variant.
Coding change: c.3281A>G on transcript NM_015046.7 (MANE Select); coding-DNA position 3281, A replaced by G.
Protein change: p.Gln1094Arg; replaces glutamine 1094 with arginine.
Molecular consequence: missense variant.
Genome position (GRCh38, 1-based): chr9:132,328,317, T>C on the plus strand (A>G on the coding strand, the complement: SETX is on the minus strand). VCF-style: chr9-132328317-T-C. GRCh37 (hg19) VCF-style: chr9-135203704-T-C.
Other names: c.3281A>G, p.Gln1094Arg (NM_001351527.2, NM_001351528.2); short protein forms Q1094R.
Identifiers: ClinVar variation 1729738 (VCV001729738.8), dbSNP rs563421722, ClinGen allele CA5297441.

ClinVar aggregate classification (germline): Conflicting classifications of pathogenicity. Review status: criteria provided, conflicting classifications (1 of 4 stars). 3 submissions from 3 submitters: Uncertain significance (1); Benign (1). 1 of the submissions does not count toward it. Last evaluated 2025-11-30.

Conditions:
Amyotrophic lateral sclerosis type 4 (ALS4). Also called: NEURONOPATHY, DISTAL HEREDITARY MOTOR, WITH PYRAMIDAL FEATURES; AMYOTROPHIC LATERAL SCLEROSIS 4, JUVENILE. Identifiers: Orphanet 357043, MedGen C1865409, MONDO:0011223, OMIM 602433.
Spinocerebellar ataxia, autosomal recessive, with axonal neuropathy 2 (SCAN2). Also called: Ataxia-ocular apraxia-2; Ataxia with Oculomotor Apraxia; Ataxia with Oculomotor Apraxia Type 2; ATAXIA-OCULOMOTOR APRAXIA 2. Identifiers: Orphanet 64753, MedGen C1853761, MONDO:0018996, OMIM 606002.
SETX-related disorder. Also called: SETX-related disorders; SETX-related condition. Identifiers: MedGen CN239403.
Inborn genetic diseases. Identifiers: MedGen C0950123, MeSH D030342.

Allele frequency attached by ClinVar (database versions not stated): gnomAD exomes 0.00002; ExAC 0.00007; gnomAD 0.00014; TOPMed 0.00017; 1000 Genomes Project 0.00040; 1000 Genomes Project 30x 0.00047.
gnomAD v4.1: 50 of 1,614,072 alleles (0.0031%); highest among the groups gnomAD compares: African/African-American, 0.063%; no homozygotes.

Submissions (3):

Labcorp Genetics (formerly Invitae), Labcorp
Classification: Benign for Amyotrophic lateral sclerosis type 4; Spinocerebellar ataxia, autosomal recessive, with axonal neuropathy 2. Last evaluated: 2025-11-30. Review status: criteria provided, single submitter. Criteria: Invitae Variant Classification Sherloc (09022015). Collection method: clinical testing. Allele origin: germline.

Ambry Genetics
Classification: Uncertain significance for Inborn genetic diseases. Last evaluated: 2025-02-27. Review status: criteria provided, single submitter. Criteria: Ambry Variant Classification Scheme 2023. Collection method: clinical testing. Allele origin: germline.

PreventionGenetics, part of Exact Sciences
Classification: Uncertain significance for SETX-related condition. Last evaluated: 2023-11-28. Review status: no assertion criteria provided. Collection method: clinical testing. Allele origin: germline. Not counted in ClinVar's aggregate classification.
Comment: The SETX c.3281A>G variant is predicted to result in the amino acid substitution p.Gln1094Arg. To our knowledge, this variant has not been reported in the literature. This variant is reported in 0.064% of alleles in individuals of African descent in gnomAD. Although we suspect that this variant may be benign, at this time, the clinical significance of this variant is uncertain due to the absence of conclusive functional and genetic evidence.